The following is an entry in ClinVar:

NM_003126.4(SPTA1):c.3730dup (p.Glu1244fs)

Gene: SPTA1 (spectrin alpha, erythrocytic 1; minus strand). Cytogenetic location: 1q23.1.
Variant type: Duplication.
Coding change: c.3730dup on transcript NM_003126.4 (MANE Select); coding-DNA position 3730, one base duplicated (G; older notation c.3730dupG).
Protein change: p.Glu1244fs; shifts the reading frame from glutamic acid 1244.
Molecular consequence: frameshift variant.
Genome position (GRCh38, 1-based): chr1:158,647,705, C duplicated on the plus strand (G on the coding strand, the reverse complement: SPTA1 is on the minus strand); the first of 5 consecutive C bases (chr1:158,647,705-158,647,709); duplicating any one gives the same sequence. VCF-style (leftmost placement, unchanged base first): chr1-158647704-T-TC. GRCh37 (hg19) VCF-style: chr1-158617494-T-TC.
Other names: short protein forms E1244fs.
Identifiers: ClinVar variation 2630932 (VCV002630932.2), dbSNP rs2525071082, ClinGen allele CA2695199895.

ClinVar aggregate classification (germline): Likely pathogenic (1 of 4 stars; one submission).

Conditions:
SPTA1-related disorder. Also called: SPTA1-related disorders; SPTA1-related condition.

Submission:

PreventionGenetics, part of Exact Sciences
Classification: Likely pathogenic for SPTA1-related condition. Last evaluated: 2026-01-23. Review status: criteria provided, single submitter. Criteria: ACMG Guidelines, 2015. Collection method: clinical testing. Allele origin: germline.
Comment: The SPTA1 c.3730dupG variant is predicted to result in a frameshift and premature protein termination (p.Glu1244Glyfs*8). To our knowledge, this variant has not been reported in the literature or in a large population database (gnomAD), indicating this variant is rare. Frameshift variants in SPTA1 are expected to be pathogenic. This variant is interpreted as likely pathogenic.